The following is an entry in ClinVar:

ClinVar aggregate classification (germline): Uncertain significance (1 of 4 stars; one submission).

Conditions:
Tatton-Brown-Rahman overgrowth syndrome. Also called: Tatton-Brown-Rahman syndrome; Tall stature-intellectual disability-facial dysmorphism syndrome. Identifiers: Orphanet 404443, MedGen C4014545, MONDO:0014382, OMIM 615879.

gnomAD v4.1: 2 of 1,614,156 alleles (0.00012%); highest among the groups gnomAD compares: African/African-American, 0.0013%; no homozygotes.

Submission:

Labcorp Genetics (formerly Invitae), Labcorp
Classification: Uncertain significance for Tatton-Brown-Rahman overgrowth syndrome. Last evaluated: 2025-07-03. Review status: criteria provided, single submitter. Criteria: Invitae Variant Classification Sherloc (09022015). Collection method: clinical testing. Allele origin: germline.
Comment: This sequence change replaces phenylalanine, which is neutral and non-polar, with leucine, which is neutral and non-polar, at codon 751 of the DNMT3A protein (p.Phe751Leu). This variant is not present in population databases (gnomAD no frequency). This variant has not been reported in the literature in individuals affected with DNMT3A-related conditions. Invitae Evidence Modeling of protein sequence and biophysical properties (such as structural, functional, and spatial information, amino acid conservation, physicochemical variation, residue mobility, and thermodynamic stability) has been performed for this missense variant. However, the output from this modeling did not meet the statistical confidence thresholds required to predict the impact of this variant on DNMT3A protein function. In summary, the available evidence is currently insufficient to determine the role of this variant in disease. Therefore, it has been classified as a Variant of Uncertain Significance.

NM_022552.5(DNMT3A):c.2251T>C (p.Phe751Leu)

Gene: DNMT3A (DNA methyltransferase 3 alpha; minus strand). Cytogenetic location: 2p23.3.
Variant type: single nucleotide variant.
Coding change: c.2251T>C on transcript NM_022552.5 (MANE Select); coding-DNA position 2251, T replaced by C.
Protein change: p.Phe751Leu; replaces phenylalanine 751 with leucine.
Molecular consequence: missense variant. On other transcripts: non-coding transcript variant (1).
Genome position (GRCh38, 1-based): chr2:25,240,373, A>G on the plus strand (T>C on the coding strand, the complement: DNMT3A is on the minus strand). VCF-style: chr2-25240373-A-G. GRCh37 (hg19) VCF-style: chr2-25463242-A-G.
Other names: c.1795T>C, p.Phe599Leu (NM_001320893.1); c.1582T>C, p.Phe528Leu (NM_001375819.1); c.1684T>C, p.Phe562Leu (NM_153759.3); c.2251T>C, p.Phe751Leu (NM_175629.2); short protein forms F528L, F562L, F599L, F751L.
Identifiers: ClinVar variation 4805053 (VCV004805053.1).